The following is an entry in ClinVar:

NM_017654.4(SAMD9):c.4739G>A (p.Gly1580Asp)

Gene: SAMD9 (sterile alpha motif domain containing 9; minus strand). Cytogenetic location: 7q21.2.
Variant type: single nucleotide variant.
Coding change: c.4739G>A on transcript NM_017654.4 (MANE Select); coding-DNA position 4739, G replaced by A.
Protein change: p.Gly1580Asp; replaces glycine 1580 with aspartic acid.
Molecular consequence: missense variant.
Genome position (GRCh38, 1-based): chr7:93,101,359, C>T on the plus strand (G>A on the coding strand, the complement: SAMD9 is on the minus strand). VCF-style: chr7-93101359-C-T. GRCh37 (hg19) VCF-style: chr7-92730672-C-T.
Other names: c.4739G>A, p.Gly1580Asp (NM_001193307.2); short protein forms G1580D.
Identifiers: ClinVar variation 3949700 (VCV003949700.1).

ClinVar aggregate classification (germline): Uncertain significance (1 of 4 stars; one submission).

Conditions:
Inborn genetic diseases. Identifiers: MedGen C0950123, MeSH D030342.

gnomAD v4.1: 3 of 1,612,930 alleles (0.00019%); highest among the groups gnomAD compares: Non-Finnish European, 0.00025%; no homozygotes.

Submission:

Ambry Genetics
Classification: Uncertain significance for Inborn genetic diseases. Last evaluated: 2025-06-02. Review status: criteria provided, single submitter. Criteria: Ambry Variant Classification Scheme 2023. Collection method: clinical testing. Allele origin: germline.
Comment: The p.G1580D variant (also known as c.4739G>A), located in coding exon 1 of the SAMD9 gene, results from a G to A substitution at nucleotide position 4739. The glycine at codon 1580 is replaced by aspartic acid, an amino acid with similar properties. This amino acid position is conserved. In addition, the in silico prediction for this alteration is inconclusive. Based on the available evidence, the clinical significance of this variant remains unclear.